The following is an entry in ClinVar:

ClinVar aggregate classification (germline): Likely benign (1 of 4 stars; one submission).

Conditions:
SOX3-related disorder. Also called: SOX3-related condition; SOX3-Related Disorders.

gnomAD v4.1: 6 of 1,065,957 alleles (0.00056%); highest among the groups gnomAD compares: Admixed American, 0.0035%; no homozygotes.

Submission:

PreventionGenetics, part of Exact Sciences
Classification: Likely benign for SOX3-related condition. Last evaluated: 2026-07-07. Review status: criteria provided, single submitter. Criteria: ACMG Guidelines, 2015. Collection method: clinical testing. Allele origin: germline.
Comment: This variant is classified as likely benign based on ACMG/AMP sequence variant interpretation guidelines (Richards et al. 2015 PMID: 25741868, with internal and published modifications).

NM_005634.3(SOX3):c.1098C>T (p.Ser366=)

Gene: SOX3 (SRY-box transcription factor 3; minus strand). Cytogenetic location: Xq27.1.
Variant type: single nucleotide variant.
Coding change: c.1098C>T on transcript NM_005634.3 (MANE Select); coding-DNA position 1098, C replaced by T.
Protein change: p.Ser366=; no amino-acid change (serine 366 retained).
Molecular consequence: synonymous variant.
Genome position (GRCh38, 1-based): chrX:140,503,963, G>A on the plus strand (C>T on the coding strand, the complement: SOX3 is on the minus strand). VCF-style: chrX-140503963-G-A. GRCh37 (hg19) VCF-style: chrX-139586128-G-A.
Identifiers: ClinVar variation 4987655 (VCV004987655.1).